The following is an entry in ClinVar:

ClinVar aggregate classification (germline): Pathogenic (1 of 4 stars; one submission).

Submission:

MVZ Dr. Eberhard & Partner Dortmund
Classification: Pathogenic. Last evaluated: 2021-11-11. Review status: criteria provided, single submitter. Criteria: ACMG Guidelines, 2015. Collection method: clinical testing. Allele origin: unknown. Observed: 1 heterozygote. Segregation with disease observed.
Comment: This sequence change of G to T leads to a premature STOP codon at Gly641. Due to the nonsense mutation and the possibility of nonsense mediated decay, a null variant with loss of function is created in a gene where loss of function is a common mechanism of disease. This variant is absent from controls in Exome Sequencing Project, 1000 Genomes Project and the Genome Aggregation Database, but it segregates with the disease in multiple affected family members (see Case Data). This variant is considered to be pathogenic according to the ACMG guidelines.

NM_000088.4(COL1A1):c.1921G>T (p.Gly641Ter)

Gene: COL1A1 (collagen type I alpha 1 chain; minus strand). Cytogenetic location: 17q21.33.
Variant type: single nucleotide variant.
Coding change: c.1921G>T on transcript NM_000088.4 (MANE Select); coding-DNA position 1921, G replaced by T.
Protein change: p.Gly641Ter; replaces glycine 641 with a stop codon.
Molecular consequence: nonsense.
Genome position (GRCh38, 1-based): chr17:50,192,648, C>A on the plus strand (G>T on the coding strand, the complement: COL1A1 is on the minus strand). VCF-style: chr17-50192648-C-A. GRCh37 (hg19) VCF-style: chr17-48270009-C-A.
Other names: short protein forms G641*.
Identifiers: ClinVar variation 1676808 (VCV001676808.2), dbSNP rs2144563717, ClinGen allele CA400213659.